The following is an entry in ClinVar:

ClinVar aggregate classification (germline): Uncertain significance (1 of 4 stars; one submission).

Allele frequency attached by ClinVar (database versions not stated): gnomAD exomes below 0.00001; gnomAD 0.00001; TOPMed 0.00001.
gnomAD v4.1: 2 of 1,613,448 alleles (0.00012%); highest among the groups gnomAD compares: African/African-American, 0.0027%; no homozygotes.

Submission:

GeneDx
Classification: Uncertain significance. Last evaluated: 2014-03-28. Review status: criteria provided, single submitter. Criteria: GeneDx Variant Classification (06012015). Collection method: clinical testing. Allele origin: germline. Affected: yes.
Comment: Missense variants in the TTN gene are considered 'unclassified' if they are not previously reported in the literature and do not have >1% frequency in the population to be considered a polymorphism. Research indicates that truncating mutations in the TTN gene are expected to account for approximately 25% of familial and 18% of sporadic idiopathic DCM; however, truncating variants in the TTN gene have been reported in approximately 3% of reported control alleles. There has been little investigation into non-truncating variants. (Herman D et al. Truncations of titin causing dilated cardiomyopathy. N Eng J Med 366:619-628, 2012) The variant is found in CARDIOMYOPATHY panel(s).

NM_001267550.2(TTN):c.16175A>G (p.Lys5392Arg)

Gene: TTN (titin; minus strand). Cytogenetic location: 2q31.2.
Variant type: single nucleotide variant.
Coding change: c.16175A>G on transcript NM_001267550.2 (MANE Select); coding-DNA position 16175, A replaced by G.
Protein change: p.Lys5392Arg; replaces lysine 5392 with arginine.
Molecular consequence: missense variant. On other transcripts: intron variant (3).
Genome position (GRCh38, 1-based): chr2:178,733,001, T>C on the plus strand (A>G on the coding strand, the complement: TTN is on the minus strand). VCF-style: chr2-178733001-T-C. GRCh37 (hg19) VCF-style: chr2-179597728-T-C.
Other names: p.K5075R:AAG>AGG; c.15224A>G, p.Lys5075Arg (NM_001256850.1); c.12443A>G, p.Lys4148Arg (NM_133378.4); c.13282+5081A>G (NM_003319.4); c.13858+5081A>G (NM_133437.4); c.13657+5081A>G (NM_133432.3); short protein forms K5075R, K5392R, K4148R.
Identifiers: ClinVar variation 203254 (VCV000203254.2), dbSNP rs794729609, ClinGen allele CA311824.
Genomic context (GRCh38, chr2:178,733,001, plus strand): 5'-GCTGTGCCTTCCACAAATGCTATCCTGTATCTGTCAGAAGCAGCTATTTCTTTGCCATCC[T>C]TAAACCAGGACACCCTCATGGGGAGGGAGCCTGCAATTTTGCAGTCCAGTCTGCAGGTAC-3'
Protein context (NP_001254479.2, residues 5382-5402): GSLPMRVSWF[Lys5392Arg]DGKEIAASDR